The following is an entry in ClinVar:

ClinVar aggregate classification (germline): Likely pathogenic (1 of 4 stars; one submission).

Conditions:
Familial infantile myasthenia (CMS6). Also called: Congenital myasthenic syndrome type 6; MYASTHENIC SYNDROME, PRESYNAPTIC, CONGENITAL, ASSOCIATED WITH EPISODIC APNEA; MYASTHENIC SYNDROME, CONGENITAL, 6, PRESYNAPTIC. Identifiers: Orphanet 590, MedGen C0393929, MONDO:0009689, OMIM 254210.

Submission:

Labcorp Genetics (formerly Invitae), Labcorp
Classification: Likely pathogenic for Familial infantile myasthenia. Last evaluated: 2024-09-09. Review status: criteria provided, single submitter. Criteria: Invitae Variant Classification Sherloc (09022015). Collection method: clinical testing. Allele origin: germline.
Comment: This sequence change affects a donor splice site in intron 12 of the CHAT gene. It is expected to disrupt RNA splicing. Variants that disrupt the donor or acceptor splice site typically lead to a loss of protein function (PMID: 16199547), and loss-of-function variants in CHAT are known to be pathogenic (PMID: 12548525, 21786365, 23292760). This variant is not present in population databases (gnomAD no frequency). This variant has not been reported in the literature in individuals affected with CHAT-related conditions. Algorithms developed to predict the effect of sequence changes on RNA splicing suggest that this variant may disrupt the consensus splice site. In summary, the currently available evidence indicates that the variant is pathogenic, but additional data are needed to prove that conclusively. Therefore, this variant has been classified as Likely Pathogenic.

Literature cited by the submitters: PubMed 16199547; PubMed 12548525; PubMed 21786365; PubMed 23292760.

NM_020549.5(CHAT):c.1776+1G>C

Gene: CHAT (choline O-acetyltransferase; plus strand). Cytogenetic location: 10q11.23.
Variant type: single nucleotide variant.
Coding change: c.1776+1G>C on transcript NM_020549.5 (MANE Select); the canonical splice donor site of the intron after coding-DNA position 1776, G replaced by C.
Molecular consequence: splice donor variant.
Genome position (GRCh38, 1-based): chr10:49,655,237, G>C. VCF-style: chr10-49655237-G-C. GRCh37 (hg19) VCF-style: chr10-50863283-G-C.
Other names: c.1422+1G>C (NM_020984.4, NM_020985.4, NM_020986.4 and 2 more transcripts); c.1530+1G>C (NM_001142933.2).
Identifiers: ClinVar variation 3655207 (VCV003655207.2).